The following is an entry in ClinVar:

NM_000540.3(RYR1):c.7806C>A (p.Val2602=)

Gene: RYR1 (ryanodine receptor 1; plus strand). Cytogenetic location: 19q13.2.
Variant type: single nucleotide variant.
Coding change: c.7806C>A on transcript NM_000540.3 (MANE Select); coding-DNA position 7806, C replaced by A.
Protein change: p.Val2602=; no amino-acid change (valine 2602 retained).
Molecular consequence: synonymous variant.
Genome position (GRCh38, 1-based): chr19:38,502,698, C>A. VCF-style: chr19-38502698-C-A. GRCh37 (hg19) VCF-style: chr19-38993338-C-A.
Other names: c.7806C>A, p.Val2602= (NM_001042723.2).
Identifiers: ClinVar variation 796427 (VCV000796427.11), dbSNP rs1487018944, ClinGen allele CA507243940.

ClinVar aggregate classification (germline): Conflicting classifications of pathogenicity. Review status: criteria provided, conflicting classifications (1 of 4 stars). 3 submissions from 3 submitters: Uncertain significance (1); Likely benign (2). Last evaluated 2025-01-22.

Conditions:
Malignant hyperthermia, susceptibility to, 1 (MHS1). Also called: RYR1-Related Malignant Hyperthermia Susceptibility; Malignant hyperthermia suceptibility 1; Anesthesia related hyperthermia; Malignant hyperpyrexia; Fulminating hyperpyrexia; Pharmacogenic myopathy. Identifiers: Orphanet 423, MedGen C2930980, MONDO:0007783, OMIM 145600.
RYR1-related disorder. Also called: RYR1-related condition; RYR1-related disorders. Identifiers: MedGen CN239331.

Allele frequency attached by ClinVar (database versions not stated): TOPMed below 0.00001.
gnomAD v4.1: 2 of 1,594,806 alleles (0.00013%); highest among the groups gnomAD compares: Non-Finnish European, 0.00017%; no homozygotes.

Submissions (3):

GeneDx
Classification: Uncertain significance. Last evaluated: 2025-01-22. Review status: criteria provided, single submitter. Criteria: GeneDx Variant Classification Process June 2021. Collection method: clinical testing. Allele origin: germline. Affected: yes.
Comment: Not observed at significant frequency in large population cohorts (gnomAD); In silico analysis indicates that this variant does not alter splicing; Has not been previously published as pathogenic or benign to our knowledge

Labcorp Genetics (formerly Invitae), Labcorp
Classification: Likely benign for RYR1-related disorder. Last evaluated: 2024-03-03. Review status: criteria provided, single submitter. Criteria: Invitae Variant Classification Sherloc (09022015). Collection method: clinical testing. Allele origin: germline.

All of Us Research Program, National Institutes of Health
Classification: Likely benign for Malignant hyperthermia, susceptibility to, 1. Last evaluated: 2023-10-06. Review status: criteria provided, single submitter. Criteria: ACMG Guidelines, 2015. Collection method: clinical testing. Allele origin: germline. Inheritance: Autosomal dominant inheritance. Observed: 1 variant allele, 1 heterozygote.
Comment: This study involves interpretation of variants in research participants for the purpose of population health screening. Participant phenotype was not available at the time of variant classification. Additional details can be found in publication PMID: 35346344, PMCID: PMC8962531